The following is an entry in ClinVar:

ClinVar aggregate classification (germline): Uncertain significance (1 of 4 stars; one submission).

Submission:

GeneDx
Classification: Uncertain significance. Last evaluated: 2022-01-06. Review status: criteria provided, single submitter. Criteria: GeneDx Variant Classification Process June 2021. Collection method: clinical testing. Allele origin: germline. Affected: yes.
Comment: Not observed at significant frequency in large population cohorts (gnomAD); Nonsense variant predicted to result in protein truncation or nonsense mediated decay in a gene for which loss-of-function is not a known mechanism of disease; Has not been previously published as pathogenic or benign to our knowledge; Variants in candidate genes are classified as variants of uncertain significance in accordance with ACMG guidelines (Richards et al., 2015)

NM_003660.4(PPFIA3):c.952G>T (p.Glu318Ter)

Gene: PPFIA3 (PTPRF interacting protein alpha 3; plus strand). Cytogenetic location: 19q13.33.
Variant type: single nucleotide variant.
Coding change: c.952G>T on transcript NM_003660.4 (MANE Select); coding-DNA position 952, G replaced by T.
Protein change: p.Glu318Ter; replaces glutamic acid 318 with a stop codon.
Molecular consequence: nonsense. On other transcripts: non-coding transcript variant (1).
Genome position (GRCh38, 1-based): chr19:49,133,073, G>T. VCF-style: chr19-49133073-G-T. GRCh37 (hg19) VCF-style: chr19-49636330-G-T.
Other names: short protein forms E318*.
Identifiers: ClinVar variation 3342343 (VCV003342343.1).